The following is an entry in ClinVar:

NM_199355.4(ADAMTS18):c.1399G>T (p.Gly467Ter)

Gene: ADAMTS18 (ADAM metallopeptidase with thrombospondin type 1 motif 18; minus strand). Cytogenetic location: 16q23.1.
Variant type: single nucleotide variant.
Coding change: c.1399G>T on transcript NM_199355.4 (MANE Select); coding-DNA position 1399, G replaced by T.
Protein change: p.Gly467Ter; replaces glycine 467 with a stop codon.
Molecular consequence: nonsense.
Genome position (GRCh38, 1-based): chr16:77,356,001, C>A on the plus strand (G>T on the coding strand, the complement: ADAMTS18 is on the minus strand). VCF-style: chr16-77356001-C-A. GRCh37 (hg19) VCF-style: chr16-77389898-C-A.
Other names: c.883G>T, p.Gly295Ter (NM_001326358.2); short protein forms G295*, G467*.
Identifiers: ClinVar variation 3692806 (VCV003692806.2).
Genomic context (GRCh38, chr16:77,356,001, plus strand): 5'-TGAGGAATTTCTTGAGATACTGGCGGCTGCAGGAAGACCATGAAAACACTCCATTGTTTC[C>A]GGTCAGTGTGGGAGACATGATATTGCCTTCAGCCTTTCTGCAGGGATTCCCTTCTCCATC-3'

ClinVar aggregate classification (germline): Pathogenic (1 of 4 stars; one submission).

gnomAD v4.1: 1 of 1,613,930 alleles (0.000062%); highest among the groups gnomAD compares: Non-Finnish European, 0.000085%; no homozygotes.

Submission:

Labcorp Genetics (formerly Invitae), Labcorp
Classification: Pathogenic. Last evaluated: 2024-04-19. Review status: criteria provided, single submitter. Criteria: Invitae Variant Classification Sherloc (09022015). Collection method: clinical testing. Allele origin: germline.
Comment: This sequence change creates a premature translational stop signal (p.Gly467*) in the ADAMTS18 gene. It is expected to result in an absent or disrupted protein product. Loss-of-function variants in ADAMTS18 are known to be pathogenic (PMID: 23818446, 24874986). This variant is present in population databases (rs755343156, gnomAD 0.002%). This variant has not been reported in the literature in individuals affected with ADAMTS18-related conditions. For these reasons, this variant has been classified as Pathogenic.

Literature cited by the submitters: PubMed 23818446; PubMed 24874986.